The following is an entry in ClinVar:

NM_152703.5(SAMD9L):c.1786A>C (p.Thr596Pro)

Gene: SAMD9L (sterile alpha motif domain containing 9 like; minus strand). Cytogenetic location: 7q21.2.
Variant type: single nucleotide variant.
Coding change: c.1786A>C on transcript NM_152703.5 (MANE Select); coding-DNA position 1786, A replaced by C.
Protein change: p.Thr596Pro; replaces threonine 596 with proline.
Molecular consequence: missense variant.
Genome position (GRCh38, 1-based): chr7:93,134,186, T>G on the plus strand (A>C on the coding strand, the complement: SAMD9L is on the minus strand). VCF-style: chr7-93134186-T-G. GRCh37 (hg19) VCF-style: chr7-92763499-T-G.
Other names: c.1786A>C, p.Thr596Pro (NM_001303496.3, NM_001303497.3, NM_001303498.3 and 5 more transcripts); short protein forms T596P.
Identifiers: ClinVar variation 3437240 (VCV003437240.1).
Genomic context (GRCh38, chr7:93,134,186, plus strand): 5'-GTTCTATATTTAAAGTGGAAATACTGTGGTTTGTTAGTTCATCTTCCATCTTCATTCTTG[T>G]TTGTAGTAGATCTTTCCATCGTTGATAAATATGTGAGTTTACAGAGATACACAACATATT-3'
Protein context (NP_689916.2, residues 586-606): IYQRWKDLLQ[Thr596Pro]RMKMEDELTN

ClinVar aggregate classification (germline): Uncertain significance (1 of 4 stars; one submission).

Conditions:
Inborn genetic diseases. Identifiers: MedGen C0950123, MeSH D030342.

Submission:

Ambry Genetics
Classification: Uncertain significance for Inborn genetic diseases. Last evaluated: 2024-12-08. Review status: criteria provided, single submitter. Criteria: Ambry Variant Classification Scheme 2023. Collection method: clinical testing. Allele origin: germline.
Comment: The p.T596P variant (also known as c.1786A>C), located in coding exon 1 of the SAMD9L gene, results from an A to C substitution at nucleotide position 1786. The threonine at codon 596 is replaced by proline, an amino acid with highly similar properties. This amino acid position is conserved. In addition, this alteration is predicted to be tolerated by in silico analysis. Based on the available evidence, the clinical significance of this variant remains unclear.